The following is an entry in ClinVar:

NM_001042492.3(NF1):c.1812G>T (p.Leu604Phe)

Gene: NF1 (neurofibromin 1; plus strand). Cytogenetic location: 17q11.2.
Variant type: single nucleotide variant.
Coding change: c.1812G>T on transcript NM_001042492.3 (MANE Select); coding-DNA position 1812, G replaced by T.
Protein change: p.Leu604Phe; replaces leucine 604 with phenylalanine.
Molecular consequence: missense variant.
Genome position (GRCh38, 1-based): chr17:31,223,534, G>T. VCF-style: chr17-31223534-G-T. GRCh37 (hg19) VCF-style: chr17-29550552-G-T.
Other names: c.1812G>T, p.Leu604Phe (NM_000267.4); short protein forms L604F.
Identifiers: ClinVar variation 1467418 (VCV001467418.7), dbSNP rs2066963883, ClinGen allele CA399004492.

ClinVar aggregate classification (germline): Uncertain significance. Review status: criteria provided, multiple submitters, no conflicts (2 of 4 stars). 2 submissions from 2 submitters: Uncertain significance (2). Last evaluated 2024-08-01.

Conditions:
Cardiovascular phenotype. Identifiers: MedGen CN230736.
Hereditary cancer-predisposing syndrome. Also called: Neoplastic Syndromes, Hereditary; Hereditary Cancer Syndrome; Tumor predisposition; Hereditary neoplastic syndrome. Identifiers: Orphanet 140162, MedGen C0027672, MeSH D009386, MONDO:0015356.
Neurofibromatosis, type 1 (NF1). Also called: NEUROFIBROMATOSIS, TYPE I, SOMATIC; VON RECKLINGHAUSEN DISEASE; Peripheral type neurofibromatosis; Neurofibromatosis, type I. Identifiers: Orphanet 636, MedGen C0027831, MONDO:0018975, OMIM 162200. Disease mechanism: loss of function.

Submissions (2):

Ambry Genetics
Classification: Uncertain significance for Cardiovascular phenotype; Hereditary cancer-predisposing syndrome. Last evaluated: 2024-08-01. Review status: criteria provided, single submitter. Criteria: Ambry Variant Classification Scheme 2023. Collection method: clinical testing. Allele origin: germline.
Comment: The p.L604F variant (also known as c.1812G>T), located in coding exon 16 of the NF1 gene, results from a G to T substitution at nucleotide position 1812. The leucine at codon 604 is replaced by phenylalanine, an amino acid with highly similar properties. This amino acid position is conserved. In addition, the in silico prediction for this alteration is inconclusive. Based on the available evidence, the clinical significance of this variant remains unclear.

Labcorp Genetics (formerly Invitae), Labcorp
Classification: Uncertain significance for Neurofibromatosis, type 1. Last evaluated: 2024-04-16. Review status: criteria provided, single submitter. Criteria: Invitae Variant Classification Sherloc (09022015). Collection method: clinical testing. Allele origin: germline.
Comment: This sequence change replaces leucine, which is neutral and non-polar, with phenylalanine, which is neutral and non-polar, at codon 604 of the NF1 protein (p.Leu604Phe). This variant is not present in population databases (gnomAD no frequency). This variant has not been reported in the literature in individuals affected with NF1-related conditions. ClinVar contains an entry for this variant (Variation ID: 1467418). Advanced modeling of protein sequence and biophysical properties (such as structural, functional, and spatial information, amino acid conservation, physicochemical variation, residue mobility, and thermodynamic stability) has been performed at Invitae for this missense variant, however the output from this modeling did not meet the statistical confidence thresholds required to predict the impact of this variant on NF1 protein function. In summary, the available evidence is currently insufficient to determine the role of this variant in disease. Therefore, it has been classified as a Variant of Uncertain Significance.